The following is an entry in ClinVar:

ClinVar aggregate classification (germline): Likely benign (1 of 4 stars; one submission).

Conditions:
Thrombomodulin-related bleeding disorder (THPH12). Also called: Thrombophilia due to thrombomodulin defect. Identifiers: Orphanet 436169, MedGen C3280976, MONDO:0013775, OMIM 614486.

Submission:

Genomenon, Inc
Classification: Likely benign for Thrombomodulin-related bleeding disorder. Last evaluated: 2025-09-22. Review status: criteria provided, single submitter. Criteria: Genomenon Sequence Variant Interpretation Standards - Updated. Collection method: curation. Allele origin: germline. Affected: no.
Comment: THBD p.Ala68= (c.204C>A) is a synonymous variant that retains Alanine at residue 68. This variant has been reported in the published literature (PMID:22573811). This synonymous variant is not predicted to impact splicing and does not affect a conserved nucleotide. It is absent or not present at a significant frequency in gnomAD. In conclusion, we classify THBD p.Ala68= (c.204C>A) as a likely benign variant.

Literature cited by the submitters: PubMed 22573811.

NM_000361.3(THBD):c.204C>A (p.Ala68=)

Gene: THBD (thrombomodulin; minus strand). Cytogenetic location: 20p11.21.
Variant type: single nucleotide variant.
Coding change: c.204C>A on transcript NM_000361.3 (MANE Select); coding-DNA position 204, C replaced by A.
Protein change: p.Ala68=; no amino-acid change (alanine 68 retained).
Molecular consequence: synonymous variant.
Genome position (GRCh38, 1-based): chr20:23,049,301, G>T on the plus strand (C>A on the coding strand, the complement: THBD is on the minus strand). VCF-style: chr20-23049301-G-T. GRCh37 (hg19) VCF-style: chr20-23029938-G-T.
Identifiers: ClinVar variation 4280341 (VCV004280341.1).